The following is an entry in ClinVar:

ClinVar aggregate classification (germline): Uncertain significance. Review status: criteria provided, multiple submitters, no conflicts (2 of 4 stars). 2 submissions from 2 submitters: Uncertain significance (2). Last evaluated 2022-10-13.

Conditions:
Autosomal recessive limb-girdle muscular dystrophy type 2C (LGMDR5). Also called: MUSCULAR DYSTROPHY, LIMB-GIRDLE, AUTOSOMAL RECESSIVE 5; MUSCULAR DYSTROPHY, DUCHENNE-LIKE. Identifiers: Orphanet 353, MedGen C0410173, MONDO:0009677, OMIM 253700. Disease mechanism: Affects gamma-sarcoglycan and also disrupts the integrity of the entire sarcoglycan complex..

Allele frequency attached by ClinVar (database versions not stated): gnomAD exomes below 0.00001; ExAC 0.00003.
gnomAD v4.1: 13 of 1,612,720 alleles (0.00081%); highest among the groups gnomAD compares: African/African-American, 0.011%; no homozygotes.

Submissions (2):

Labcorp Genetics (formerly Invitae), Labcorp
Classification: Uncertain significance for Autosomal recessive limb-girdle muscular dystrophy type 2C. Last evaluated: 2022-10-13. Review status: criteria provided, single submitter. Criteria: Invitae Variant Classification Sherloc (09022015). Collection method: clinical testing. Allele origin: germline.
Comment: This sequence change replaces alanine, which is neutral and non-polar, with valine, which is neutral and non-polar, at codon 220 of the SGCG protein (p.Ala220Val). This variant is present in population databases (rs753751942, gnomAD 0.02%). This variant has not been reported in the literature in individuals affected with SGCG-related conditions. Advanced modeling of protein sequence and biophysical properties (such as structural, functional, and spatial information, amino acid conservation, physicochemical variation, residue mobility, and thermodynamic stability) performed at Invitae indicates that this missense variant is not expected to disrupt SGCG protein function. In summary, the available evidence is currently insufficient to determine the role of this variant in disease. Therefore, it has been classified as a Variant of Uncertain Significance.

Revvity Omics, Revvity
Classification: Uncertain significance for Autosomal recessive limb-girdle muscular dystrophy type 2C. Last evaluated: 2021-10-21. Review status: criteria provided, single submitter. Criteria: ACMG Guidelines, 2015. Collection method: clinical testing. Allele origin: germline.

NM_000231.3(SGCG):c.659C>T (p.Ala220Val)

Gene: SGCG (sarcoglycan gamma; plus strand). Cytogenetic location: 13q12.12.
Variant type: single nucleotide variant.
Coding change: c.659C>T on transcript NM_000231.3 (MANE Select); coding-DNA position 659, C replaced by T.
Protein change: p.Ala220Val; replaces alanine 220 with valine.
Molecular consequence: missense variant.
Genome position (GRCh38, 1-based): chr13:23,320,717, C>T. VCF-style: chr13-23320717-C-T. GRCh37 (hg19) VCF-style: chr13-23894856-C-T.
Other names: c.713C>T, p.Ala238Val (NM_001378244.1); c.659C>T, p.Ala220Val (NM_001378245.1, NM_001378246.1); short protein forms A220V, A238V.
Identifiers: ClinVar variation 2158950 (VCV002158950.4), dbSNP rs753751942, ClinGen allele CA6909810.